The following is an entry in ClinVar:

ClinVar aggregate classification (germline): Uncertain significance (1 of 4 stars; one submission).

Conditions:
Proteus syndrome. Also called: ELATTOPROTEUS SYNDROME; Macrocephaly mesodermal hamartoma spectrum; PROTEUS SYNDROME, SOMATIC; Hemihypertrophy and macrocephaly; Partial gigantism of hands and feet, nevi, hemihypertrophy, macrocephaly; GIGANTISM, PARTIAL, OF HANDS AND FEET, NEVI, HEMIHYPERTROPHY, AND MACROCEPHALY. Identifiers: Orphanet 744, MedGen C0085261, MONDO:0008318, OMIM 176920. Disease mechanism: gain of function, loss of function.

Submission:

Clinical Genomics Laboratory, Washington University in St. Louis
Classification: Uncertain significance for Proteus syndrome. Last evaluated: 2024-11-27. Review status: criteria provided, single submitter. Criteria: ACMG Guidelines, 2015. Collection method: clinical testing. Allele origin: germline.
Comment: An AKT1 c.1418_1420del (p.Ser473del) variant was identified at a near heterozygous allelic fraction of 49.7%, a frequency which may be consistent with it being of germline origin. To our knowledge, it has not been reported in the medical literature. This variant is only observed on 1/1,612,450 alleles in the general population (gnomAD v.4.1.0), indicating it is not a common variant. The AKT1 c.1418_1420del (p.Ser473del) variant is predicted to cause a change in the length of the protein due to an in-frame deletion of a single amino acid in a non-repeat region. Based on available information and the ACMG/AMP guidelines for variant interpretation (Richards S et al., PMID: 25741868), the clinical significance of this variant is uncertain at this time.

NM_001382430.1(AKT1):c.1418_1420del (p.Ser473del)

Gene: AKT1 (AKT serine/threonine kinase 1; minus strand). Cytogenetic location: 14q32.33.
Variant type: Deletion.
Coding change: c.1418_1420del on transcript NM_001382430.1 (MANE Select); coding-DNA positions 1418 to 1420, 3 bases deleted (CCT; older notation c.1418_1420delCCT).
Protein change: p.Ser473del; deletes serine 473.
Genome position (GRCh38, 1-based): chr14:104,770,364-104,770,366, AGG deleted on the plus strand (CCT on the coding strand, the reverse complement: AKT1 is on the minus strand); deleting any 3 consecutive bases within chr14:104,770,364-104,770,368 gives the same sequence; the c. name uses the placement nearest the transcript's 3' end. VCF-style (leftmost placement, unchanged base first): chr14-104770363-TAGG-T. GRCh37 (hg19) VCF-style: chr14-105236700-TAGG-T.
Other names: c.1418_1420del, p.Ser473del (NM_001382431.1, NM_001382432.1, NM_001014432.2 and 3 more transcripts); short protein forms S473del.
Identifiers: ClinVar variation 3600497 (VCV003600497.1).